The following is an entry in ClinVar:

NM_001394073.1(HS6ST2):c.25C>T (p.Arg9Trp)

Gene: HS6ST2 (heparan sulfate 6-O-sulfotransferase 2; minus strand). Cytogenetic location: Xq26.2.
Variant type: single nucleotide variant.
Coding change: c.25C>T on transcript NM_001394073.1 (MANE Select); coding-DNA position 25, C replaced by T.
Protein change: p.Arg9Trp; replaces arginine 9 with tryptophan.
Molecular consequence: missense variant.
Genome position (GRCh38, 1-based): chrX:132,958,578, G>A on the plus strand (C>T on the coding strand, the complement: HS6ST2 is on the minus strand). VCF-style: chrX-132958578-G-A. GRCh37 (hg19) VCF-style: chrX-132092606-G-A.
Other names: c.25C>T (NM_001077188.1); c.25C>T, p.Arg9Trp (NM_001077188.2, NM_001394074.1, NM_147175.4); short protein forms R9W.
Identifiers: ClinVar variation 3376352 (VCV003376352.2).

ClinVar aggregate classification (germline): Uncertain significance. Review status: criteria provided, multiple submitters, no conflicts (2 of 4 stars). 2 submissions from 2 submitters: Uncertain significance (2). Last evaluated 2025-08-21.

Conditions:
Paganini-Miozzo syndrome. Also called: MENTAL RETARDATION, X-LINKED, SYNDROMIC, PAGANINI-MIOZZO TYPE. Identifiers: MedGen C5193010, MONDO:0026724, OMIM 301025.

gnomAD v4.1: 5 of 1,178,767 alleles (0.00042%); highest among the groups gnomAD compares: South Asian, 0.0057%; no homozygotes.

Submissions (2):

Ambry Genetics
Classification: Uncertain significance. Last evaluated: 2025-08-21. Review status: criteria provided, single submitter. Criteria: Ambry Variant Classification Scheme 2023. Collection method: clinical testing. Allele origin: germline.

Pittsburgh Clinical Genomics Laboratory, University of Pittsburgh Medical Center
Classification: Uncertain significance for Paganini-Miozzo syndrome. Last evaluated: 2024-02-16. Review status: criteria provided, single submitter. Criteria: ACMG Guidelines, 2015. Collection method: clinical testing. Allele origin: germline. Inheritance: X-linked recessive inheritance. Affected: yes.
Comment: This sequence variant is a single nucleotide substitution (C>T) at position 25 of the coding sequence of the HS6ST2 gene that results in an arginine to tryptophan amino acid change at residue 9 of the heparan sulfate 6-O-sulfotransferase 2 protein. This variant is absent from ClinVar and has not been observed in individuals affected by a HS6ST2-related disorder in the published literature. This variant is present in 5 of 1178767 alleles (0.00042%) in the gnomAD v4.0.0 population dataset. Bioinformatic tools are inconclusive if this amino acid change will be damaging or tolerated, and the Arg9 residue at this position is highly conserved across the vertebrate species examined. Studies examining the functional consequence of this variant have not been published, to our knowledge. At this time, there is insufficient evidence to determine if this variant is pathogenic or benign. Therefore, we consider this a variant of uncertain significance. ACMG Criteria: PM2